The following is an entry in ClinVar:

ClinVar aggregate classification (germline): Likely benign (0 of 4 stars; one submission).

Conditions:
NF1-related disorder. Also called: NF1-related condition. Identifiers: MedGen CN379171.

Submission:

PreventionGenetics, part of Exact Sciences
Classification: Likely benign for NF1-related condition. Last evaluated: 2023-12-05. Review status: no assertion criteria provided. Collection method: clinical testing. Allele origin: germline.
Comment: This variant is classified as likely benign based on ACMG/AMP sequence variant interpretation guidelines (Richards et al. 2015 PMID: 25741868, with internal and published modifications).

NM_001042492.3(NF1):c.5813-287C>T

Gene: NF1 (neurofibromin 1; plus strand). Cytogenetic location: 17q11.2.
Variant type: single nucleotide variant.
Coding change: c.5813-287C>T on transcript NM_001042492.3 (MANE Select); 287 bases into the intron before coding-DNA position 5813, C replaced by T.
Molecular consequence: intron variant.
Genome position (GRCh38, 1-based): chr17:31,334,551, C>T. VCF-style: chr17-31334551-C-T. GRCh37 (hg19) VCF-style: chr17-29661569-C-T.
Other names: c.5750-287C>T (NM_000267.4).
Identifiers: ClinVar variation 3052708 (VCV003052708.2), dbSNP rs2508734299, ClinGen allele CA2637085598.